The following is an entry in ClinVar:

ClinVar aggregate classification (germline): Uncertain significance. Review status: criteria provided, multiple submitters, no conflicts (2 of 4 stars). 3 submissions from 3 submitters: Uncertain significance (3). Last evaluated 2026-03-05.

Conditions:
Inborn genetic diseases. Identifiers: MedGen C0950123, MeSH D030342.

Allele frequency attached by ClinVar (database versions not stated): ExAC 0.00018; TOPMed 0.00023; ESP Exome Variant Server 0.00023; gnomAD 0.00019.

Submissions (3):

GeneDx
Classification: Uncertain significance. Last evaluated: 2026-03-05. Review status: criteria provided, single submitter. Criteria: GeneDx Variant Classification Process June 2021. Collection method: clinical testing. Allele origin: germline.
Comment: In silico analysis supports that this missense variant has a deleterious effect on protein structure/function; Identified in a patient with primary ovarian insufficiency in published literature (PMID: 34803902); This variant is associated with the following publications: (PMID: 34803902)

Labcorp Genetics (formerly Invitae), Labcorp
Classification: Uncertain significance. Last evaluated: 2022-03-10. Review status: criteria provided, single submitter. Criteria: Invitae Variant Classification Sherloc (09022015). Collection method: clinical testing. Allele origin: germline.
Comment: This sequence change replaces leucine, which is neutral and non-polar, with valine, which is neutral and non-polar, at codon 295 of the PKP1 protein (p.Leu295Val). This variant is present in population databases (rs150414253, gnomAD 0.04%). This variant has not been reported in the literature in individuals affected with PKP1-related conditions. Algorithms developed to predict the effect of missense changes on protein structure and function (SIFT, PolyPhen-2, Align-GVGD) all suggest that this variant is likely to be disruptive. In summary, the available evidence is currently insufficient to determine the role of this variant in disease. Therefore, it has been classified as a Variant of Uncertain Significance.

Ambry Genetics
Classification: Uncertain significance for Inborn genetic diseases. Last evaluated: 2021-08-10. Review status: criteria provided, single submitter. Criteria: Ambry Variant Classification Scheme 2023. Collection method: clinical testing. Allele origin: germline.

NM_001005337.3(PKP1):c.883C>G (p.Leu295Val)

Gene: PKP1 (plakophilin 1; plus strand). Cytogenetic location: 1q32.1.
Variant type: single nucleotide variant.
Coding change: c.883C>G on transcript NM_001005337.3 (MANE Select); coding-DNA position 883, C replaced by G.
Protein change: p.Leu295Val; replaces leucine 295 with valine.
Molecular consequence: missense variant.
Genome position (GRCh38, 1-based): chr1:201,317,608, C>G. VCF-style: chr1-201317608-C-G. GRCh37 (hg19) VCF-style: chr1-201286736-C-G.
Other names: c.883C>G, p.Leu295Val (NM_000299.4); short protein forms L295V.
Identifiers: ClinVar variation 2058562 (VCV002058562.4), dbSNP rs150414253, ClinGen allele CA1324227.